The following is an entry in ClinVar:

ClinVar aggregate classification (germline): Likely benign (1 of 4 stars; one submission).

Conditions:
Isolated Nonsyndromic Congenital Heart Disease.

Allele frequency attached by ClinVar (database versions not stated): gnomAD 0.00001 and 0.00003; gnomAD exomes 0.00001 and 0.00004; TOPMed 0.00003; ExAC 0.00006; 1000 Genomes Project 30x 0.00016; 1000 Genomes Project 0.00020.
gnomAD v4.1: 20 of 1,601,574 alleles (0.0012%); highest among the groups gnomAD compares: East Asian, 0.013%; no homozygotes.

Submission:

Illumina Laboratory Services, Illumina
Classification: Likely benign for Isolated Nonsyndromic Congenital Heart Disease. Last evaluated: 2018-01-13. Review status: criteria provided, single submitter. Criteria: ICSL Variant Classification Criteria 13 December 2019. Collection method: clinical testing. Allele origin: germline.
Comment: This variant was observed in the ICSL laboratory as part of a predisposition screen in an ostensibly healthy population. It had not been previously curated by ICSL or reported in the Human Gene Mutation Database (HGMD: prior to June 1st, 2018), and was therefore a candidate for classification through an automated scoring system. Utilizing variant allele frequency, disease prevalence and penetrance estimates, and inheritance mode, an automated score was calculated to assess if this variant is too frequent to cause the disease. Based on the score and internal cut-off values, a variant classified as likely benign is not then subjected to further curation. The score for this variant resulted in a classification of likely benign for this disease.

NM_000214.3(JAG1):c.*21C>T

Gene: JAG1 (jagged canonical Notch ligand 1; minus strand). Cytogenetic location: 20p12.2.
Variant type: single nucleotide variant.
Coding change: c.*21C>T on transcript NM_000214.3 (MANE Select); 21 bases downstream of the stop codon, C replaced by T.
Molecular consequence: 3 prime UTR variant.
Genome position (GRCh38, 1-based): chr20:10,639,477, G>A on the plus strand (C>T on the coding strand, the complement: JAG1 is on the minus strand). VCF-style: chr20-10639477-G-A. GRCh37 (hg19) VCF-style: chr20-10620125-G-A.
Other names: c.*21C>T (LRG_1191t1).
Identifiers: ClinVar variation 337741 (VCV000337741.5), dbSNP rs554327524, ClinGen allele CA9764159.